The following is an entry in ClinVar:

ClinVar aggregate classification (germline): Uncertain significance (1 of 4 stars; one submission).

Conditions:
Pyruvate dehydrogenase E1-alpha deficiency (PDHAD). Also called: ATAXIA, INTERMITTENT, WITH PYRUVATE DEHYDROGENASE DEFICIENCY; ATAXIA WITH LACTIC ACIDOSIS I; ATAXIA, INTERMITTENT, WITH ABNORMAL PYRUVATE METABOLISM; Ataxia, intermittent, with pyruvate dehydrogenase, or decarboxylase, deficiency. Identifiers: Orphanet 79243, MedGen C1839413, MONDO:0010717, OMIM 312170.

Submission:

Labcorp Genetics (formerly Invitae), Labcorp
Classification: Uncertain significance for Pyruvate dehydrogenase E1-alpha deficiency. Last evaluated: 2019-10-29. Review status: criteria provided, single submitter. Criteria: Invitae Variant Classification Sherloc (09022015). Collection method: clinical testing. Allele origin: germline.
Comment: In summary, the available evidence is currently insufficient to determine the role of this variant in disease. Therefore, it has been classified as a Variant of Uncertain Significance. This variant disrupts the p.Ile177 amino acid residue in PDHA1. Other variant(s) that disrupt this residue have been observed in individuals with PDHA1-related conditions (PMID: 28918066), which suggests that this may be a clinically significant amino acid residue. Algorithms developed to predict the effect of missense changes on protein structure and function are either unavailable or do not agree on the potential impact of this missense change (SIFT: "Deleterious"; PolyPhen-2: "Possibly Damaging"; Align-GVGD: "Class C0"). This variant has not been reported in the literature in individuals with PDHA1-related conditions. This variant is not present in population databases (ExAC no frequency). This sequence change replaces isoleucine with methionine at codon 177 of the PDHA1 protein (p.Ile177Met). The isoleucine residue is moderately conserved and there is a small physicochemical difference between isoleucine and methionine.

Literature cited by the submitters: PubMed 28918066.

NM_000284.4(PDHA1):c.531T>G (p.Ile177Met)

Gene: PDHA1 (pyruvate dehydrogenase E1 subunit alpha 1; plus strand). Cytogenetic location: Xp22.12.
Variant type: single nucleotide variant.
Coding change: c.531T>G on transcript NM_000284.4 (MANE Select); coding-DNA position 531, T replaced by G.
Protein change: p.Ile177Met; replaces isoleucine 177 with methionine.
Molecular consequence: missense variant. On other transcripts: intron variant (1).
Genome position (GRCh38, 1-based): chrX:19,354,511, T>G. VCF-style: chrX-19354511-T-G. GRCh37 (hg19) VCF-style: chrX-19372629-T-G.
Other names: c.645T>G, p.Ile215Met (NM_001173454.2); c.552T>G, p.Ile184Met (NM_001173455.2); c.511-838T>G (NM_001173456.2); short protein forms I184M, I215M, I177M.
Identifiers: ClinVar variation 960203 (VCV000960203.8), dbSNP rs2063182775, ClinGen allele CA412393912.